The following is an entry in ClinVar:

NM_006231.4(POLE):c.558G>A (p.Ala186=)

Gene: POLE (DNA polymerase epsilon, catalytic subunit; minus strand). Cytogenetic location: 12q24.33.
Variant type: single nucleotide variant.
Coding change: c.558G>A on transcript NM_006231.4 (MANE Select); coding-DNA position 558, G replaced by A.
Protein change: p.Ala186=; no amino-acid change (alanine 186 retained).
Molecular consequence: synonymous variant.
Genome position (GRCh38, 1-based): chr12:132,679,517, C>T on the plus strand (G>A on the coding strand, the complement: POLE is on the minus strand). VCF-style: chr12-132679517-C-T. GRCh37 (hg19) VCF-style: chr12-133256103-C-T.
Identifiers: ClinVar variation 380322 (VCV000380322.18), dbSNP rs764758303, ClinGen allele CA6894288.

ClinVar aggregate classification (germline): Likely benign. Review status: criteria provided, multiple submitters, no conflicts (2 of 4 stars). 4 submissions from 4 submitters: Likely benign (3). 1 of the submissions does not count toward it. Last evaluated 2025-10-13.

Conditions:
POLE-related disorder. Also called: POLE-related disorders; POLE-related condition.
Hereditary cancer-predisposing syndrome. Also called: Tumor predisposition; Hereditary neoplastic syndrome; Neoplastic Syndromes, Hereditary; Hereditary Cancer Syndrome. Identifiers: Orphanet 140162, MedGen C0027672, MeSH D009386, MONDO:0015356.

Allele frequency attached by ClinVar (database versions not stated): ExAC 0.00001.
gnomAD v4.1: 10 of 1,613,228 alleles (0.00062%); highest among the groups gnomAD compares: East Asian, 0.0022%; no homozygotes.

Submissions (4):

Labcorp Genetics (formerly Invitae), Labcorp
Classification: Likely benign. Last evaluated: 2025-10-13. Review status: criteria provided, single submitter. Criteria: Invitae Variant Classification Sherloc (09022015). Collection method: clinical testing. Allele origin: germline.

GeneDx
Classification: Likely benign. Last evaluated: 2020-09-16. Review status: criteria provided, single submitter. Criteria: GeneDx Variant Classification Process June 2021. Collection method: clinical testing. Allele origin: germline. Affected: yes.

Ambry Genetics
Classification: Likely benign for Hereditary cancer-predisposing syndrome. Last evaluated: 2018-04-05. Review status: criteria provided, single submitter. Criteria: Ambry Variant Classification Scheme 2023. Collection method: clinical testing. Allele origin: germline.

PreventionGenetics, part of Exact Sciences
Classification: Likely benign for POLE-related condition. Last evaluated: 2023-07-17. Review status: no assertion criteria provided. Collection method: clinical testing. Allele origin: germline. Not counted in ClinVar's aggregate classification.
Comment: This variant is classified as likely benign based on ACMG/AMP sequence variant interpretation guidelines (Richards et al. 2015 PMID: 25741868, with internal and published modifications).